The following is an entry in ClinVar:

NM_019109.5(ALG1):c.787C>T (p.Arg263Trp)

Gene: ALG1 (ALG1 chitobiosyldiphosphodolichol beta-mannosyltransferase; plus strand). Cytogenetic location: 16p13.3.
Variant type: single nucleotide variant.
Coding change: c.787C>T on transcript NM_019109.5 (MANE Select); coding-DNA position 787, C replaced by T.
Protein change: p.Arg263Trp; replaces arginine 263 with tryptophan.
Molecular consequence: missense variant.
Genome position (GRCh38, 1-based): chr16:5,078,803, C>T. VCF-style: chr16-5078803-C-T. GRCh37 (hg19) VCF-style: chr16-5128804-C-T.
Other names: c.454C>T, p.Arg152Trp (NM_001330504.2); short protein forms R263W, R152W.
Identifiers: ClinVar variation 798144 (VCV000798144.18), dbSNP rs145317306, ClinGen allele CA7890019.

ClinVar aggregate classification (germline): Conflicting classifications of pathogenicity. Review status: criteria provided, conflicting classifications (1 of 4 stars). 5 submissions from 5 submitters: Uncertain significance (2); Likely benign (2). 1 of the submissions does not count toward it. Last evaluated 2026-01-30.

Conditions:
ALG1-related disorder. Also called: ALG1-related condition.
Inborn genetic diseases. Identifiers: MedGen C0950123, MeSH D030342.
ALG1-congenital disorder of glycosylation. Also called: CONGENITAL DISORDER OF GLYCOSYLATION, TYPE Ik; CDG Ik; ALG1-CDG. Identifiers: Orphanet 79327, MedGen C2931005, MONDO:0012052, OMIM 608540.

Allele frequency attached by ClinVar (database versions not stated): gnomAD exomes 0.00007 and 0.00020; ExAC 0.00013; ESP Exome Variant Server 0.00038; 1000 Genomes Project 30x 0.00047; 1000 Genomes Project 0.00060; gnomAD 0.00082 and 0.00091; TOPMed 0.00082.

Submissions (5):

Labcorp Genetics (formerly Invitae), Labcorp
Classification: Likely benign for ALG1-congenital disorder of glycosylation. Last evaluated: 2026-01-30. Review status: criteria provided, single submitter. Criteria: Invitae Variant Classification Sherloc (09022015). Collection method: clinical testing. Allele origin: germline.

GeneDx
Classification: Uncertain significance. Last evaluated: 2024-11-24. Review status: criteria provided, single submitter. Criteria: GeneDx Variant Classification Process June 2021. Collection method: clinical testing. Allele origin: germline. Affected: yes.
Comment: In silico analysis supports that this missense variant has a deleterious effect on protein structure/function; Has not been previously published as pathogenic or benign to our knowledge

Fulgent Genetics
Classification: Likely benign for ALG1-congenital disorder of glycosylation. Last evaluated: 2024-01-15. Review status: criteria provided, single submitter. Criteria: ACMG Guidelines, 2015. Collection method: clinical testing. Allele origin: germline.

Ambry Genetics
Classification: Uncertain significance for Inborn genetic diseases. Last evaluated: 2021-08-09. Review status: criteria provided, single submitter. Criteria: Ambry Variant Classification Scheme 2023. Collection method: clinical testing. Allele origin: germline.

PreventionGenetics, part of Exact Sciences
Classification: Likely benign for ALG1-related condition. Last evaluated: 2024-08-27. Review status: no assertion criteria provided. Collection method: clinical testing. Allele origin: germline. Not counted in ClinVar's aggregate classification.
Comment: This variant is classified as likely benign based on ACMG/AMP sequence variant interpretation guidelines (Richards et al. 2015 PMID: 25741868, with internal and published modifications).